The following is an entry in ClinVar:

NM_012193.4(FZD4):c.638G>A (p.Arg213His)

Genes: FZD4 (frizzled class receptor 4; minus strand), PRSS23 (serine protease 23; plus strand). Cytogenetic location: 11q14.2.
Variant type: single nucleotide variant.
Coding change: c.638G>A on transcript NM_012193.4 (MANE Select); coding-DNA position 638, G replaced by A.
Protein change: p.Arg213His; replaces arginine 213 with histidine.
Molecular consequence: missense variant. On other transcripts: non-coding transcript variant (2).
Genome position (GRCh38, 1-based): chr11:86,952,118, C>T on the plus strand (G>A on the coding strand, the complement: FZD4 is on the minus strand). VCF-style: chr11-86952118-C-T. GRCh37 (hg19) VCF-style: chr11-86663160-C-T.
Other names: c.638G>A (NM_012193.3); short protein forms R213H.
Identifiers: ClinVar variation 999543 (VCV000999543.9), dbSNP rs374499509, ClinGen allele CA6218432.

ClinVar aggregate classification (germline): Uncertain significance. Review status: criteria provided, multiple submitters, no conflicts (2 of 4 stars). 2 submissions from 2 submitters: Uncertain significance (2). Last evaluated 2025-08-07.

Conditions:
Inborn genetic diseases. Identifiers: MedGen C0950123, MeSH D030342.

Allele frequency attached by ClinVar (database versions not stated): ExAC 0.00001; gnomAD 0.00001; TOPMed 0.00001; gnomAD exomes 0.00002; ESP Exome Variant Server 0.00008.
gnomAD v4.1: 11 of 1,613,774 alleles (0.00068%); highest among the groups gnomAD compares: African/African-American, 0.0053%; no homozygotes.

Submissions (2):

Ambry Genetics
Classification: Uncertain significance for Inborn genetic diseases. Last evaluated: 2025-08-07. Review status: criteria provided, single submitter. Criteria: Ambry Variant Classification Scheme 2023. Collection method: clinical testing. Allele origin: germline.

Labcorp Genetics (formerly Invitae), Labcorp
Classification: Uncertain significance. Last evaluated: 2024-10-07. Review status: criteria provided, single submitter. Criteria: Invitae Variant Classification Sherloc (09022015). Collection method: clinical testing. Allele origin: germline.
Comment: This sequence change replaces arginine, which is basic and polar, with histidine, which is basic and polar, at codon 213 of the FZD4 protein (p.Arg213His). This variant is present in population databases (rs374499509, gnomAD 0.007%). This variant has not been reported in the literature in individuals affected with FZD4-related conditions. ClinVar contains an entry for this variant (Variation ID: 999543). Invitae Evidence Modeling of protein sequence and biophysical properties (such as structural, functional, and spatial information, amino acid conservation, physicochemical variation, residue mobility, and thermodynamic stability) indicates that this missense variant is not expected to disrupt FZD4 protein function with a negative predictive value of 80%. In summary, the available evidence is currently insufficient to determine the role of this variant in disease. Therefore, it has been classified as a Variant of Uncertain Significance.